The following is an entry in ClinVar:

ClinVar aggregate classification (germline): Uncertain significance (1 of 4 stars; one submission).

gnomAD v4.1: 13 of 1,609,406 alleles (0.00081%); highest among the groups gnomAD compares: South Asian, 0.0022%; no homozygotes.

Submission:

Dasa
Classification: Uncertain significance. Last evaluated: 2025-01-13. Review status: criteria provided, single submitter. Criteria: DASA Assertion Criteria. Collection method: clinical testing. Allele origin: germline.
Comment: NM_001277115.2(DNAH11):c.5783T>C (p.Ile1928Thr) is a missense variant that results in the substitution of isoleucine with threonine. This variant is rare in population databases. Computational prediction algorithms are consistent with a benign effect. The currently available literature and clinical evidence are not sufficient to establish a definitive association between this variant and the reported condition. Therefore, this variant is classified as a variant of uncertain significance.

NM_001277115.2(DNAH11):c.5783T>C (p.Ile1928Thr)

Gene: DNAH11 (dynein axonemal heavy chain 11; plus strand). Cytogenetic location: 7p15.3.
Variant type: single nucleotide variant.
Coding change: c.5783T>C on transcript NM_001277115.2 (MANE Select); coding-DNA position 5783, T replaced by C.
Protein change: p.Ile1928Thr; replaces isoleucine 1928 with threonine.
Molecular consequence: missense variant.
Genome position (GRCh38, 1-based): chr7:21,687,386, T>C. VCF-style: chr7-21687386-T-C. GRCh37 (hg19) VCF-style: chr7-21727004-T-C.
Other names: short protein forms I1928T.
Identifiers: ClinVar variation 4881348 (VCV004881348.2).